The following is an entry in ClinVar:

NM_001130009.3(GEN1):c.364G>A (p.Glu122Lys)

Gene: GEN1 (GEN1 structure-specific endonuclease; plus strand). Cytogenetic location: 2p24.2.
Variant type: single nucleotide variant.
Coding change: c.364G>A on transcript NM_001130009.3 (MANE Select); coding-DNA position 364, G replaced by A.
Protein change: p.Glu122Lys; replaces glutamic acid 122 with lysine.
Molecular consequence: missense variant.
Genome position (GRCh38, 1-based): chr2:17,764,912, G>A. VCF-style: chr2-17764912-G-A. GRCh37 (hg19) VCF-style: chr2-17946179-G-A.
Other names: c.364G>A, p.Glu122Lys (NM_182625.5); c.364G>A (NM_001130009.1); short protein forms E122K.
Identifiers: ClinVar variation 435317 (VCV000435317.14), dbSNP rs201084834, ClinGen allele CA1540406.

ClinVar aggregate classification (germline): Conflicting classifications of pathogenicity. Review status: criteria provided, conflicting classifications (1 of 4 stars). 3 submissions from 3 submitters: Uncertain significance (2); Likely benign (1). Last evaluated 2025-04-07.

Allele frequency attached by ClinVar (database versions not stated): gnomAD 0.00001 and 0.00002; gnomAD exomes 0.00001 and 0.00002; TOPMed 0.00001; ExAC 0.00002; 1000 Genomes Project 30x 0.00016; 1000 Genomes Project 0.00020.
gnomAD v4.1: 29 of 1,613,486 alleles (0.0018%); highest among the groups gnomAD compares: South Asian, 0.0044%; no homozygotes.

Submissions (3):

Labcorp Genetics (formerly Invitae), Labcorp
Classification: Uncertain significance. Last evaluated: 2025-04-07. Review status: criteria provided, single submitter. Criteria: Invitae Variant Classification Sherloc (09022015). Collection method: clinical testing. Allele origin: germline.
Comment: This sequence change replaces glutamic acid, which is acidic and polar, with lysine, which is basic and polar, at codon 122 of the GEN1 protein (p.Glu122Lys). This variant is present in population databases (rs201084834, gnomAD 0.0008%). This variant has not been reported in the literature in individuals affected with GEN1-related conditions. ClinVar contains an entry for this variant (Variation ID: 435317). An algorithm developed to predict the effect of missense changes on protein structure and function (PolyPhen-2) suggests that this variant is likely to be disruptive. In summary, the available evidence is currently insufficient to determine the role of this variant in disease. Therefore, it has been classified as a Variant of Uncertain Significance.

Ambry Genetics
Classification: Uncertain significance. Last evaluated: 2024-12-04. Review status: criteria provided, single submitter. Criteria: Ambry Variant Classification Scheme 2023. Collection method: clinical testing. Allele origin: germline.
Comment: The p.E122K variant (also known as c.364G>A), located in coding exon 3 of the GEN1 gene, results from a G to A substitution at nucleotide position 364. The glutamic acid at codon 122 is replaced by lysine, an amino acid with similar properties. This amino acid position is conserved. In addition, this alteration is predicted to be tolerated by in silico analysis. Based on the available evidence, the clinical significance of this variant remains unclear.

Genetic Services Laboratory, University of Chicago
Classification: Likely benign. Last evaluated: 2016-08-16. Review status: criteria provided, single submitter. Criteria: ACMG Guidelines, 2015. Collection method: clinical testing. Allele origin: germline. Affected: no.